The following is an entry in ClinVar:

ClinVar aggregate classification (germline): Uncertain significance (1 of 4 stars; one submission).

Conditions:
NCOA1-related disorder. Also called: NCOA1-related condition.

gnomAD v4.1: 1 of 1,613,960 alleles (0.000062%); highest among the groups gnomAD compares: Admixed American, 0.0017%; no homozygotes.

Submission:

PreventionGenetics, part of Exact Sciences
Classification: Uncertain significance for NCOA1-related condition. Last evaluated: 2024-11-25. Review status: criteria provided, single submitter. Criteria: ACMG Guidelines, 2015. Collection method: clinical testing. Allele origin: germline.
Comment: The NCOA1 c.3240T>A variant is predicted to result in the amino acid substitution p.Phe1080Leu. To our knowledge, this variant has not been reported in the literature. This variant is reported in 0.0029% of alleles in individuals of Latino descent in gnomAD. At this time, the clinical significance of this variant is uncertain due to the absence of conclusive functional and genetic evidence.

NM_003743.5(NCOA1):c.3240T>A (p.Phe1080Leu)

Gene: NCOA1 (nuclear receptor coactivator 1; plus strand). Cytogenetic location: 2p23.3.
Variant type: single nucleotide variant.
Coding change: c.3240T>A on transcript NM_003743.5 (MANE Select); coding-DNA position 3240, T replaced by A.
Protein change: p.Phe1080Leu; replaces phenylalanine 1080 with leucine.
Molecular consequence: missense variant.
Genome position (GRCh38, 1-based): chr2:24,739,470, T>A. VCF-style: chr2-24739470-T-A. GRCh37 (hg19) VCF-style: chr2-24962339-T-A.
Other names: c.3240T>A, p.Phe1080Leu (NM_001362950.1, NM_001362952.1, NM_001362954.1 and 3 more transcripts); short protein forms F1080L.
Identifiers: ClinVar variation 4977356 (VCV004977356.1).